The following is an entry in ClinVar:

ClinVar aggregate classification (germline): Uncertain significance (1 of 4 stars; one submission).

Submission:

Labcorp Genetics (formerly Invitae), Labcorp
Classification: Uncertain significance. Last evaluated: 2022-03-28. Review status: criteria provided, single submitter. Criteria: Invitae Variant Classification Sherloc (09022015). Collection method: clinical testing. Allele origin: germline.
Comment: In summary, the available evidence is currently insufficient to determine the role of this variant in disease. Therefore, it has been classified as a Variant of Uncertain Significance. Algorithms developed to predict the effect of missense changes on protein structure and function (SIFT, PolyPhen-2, Align-GVGD) all suggest that this variant is likely to be disruptive. This variant has not been reported in the literature in individuals affected with USH2A-related conditions. This variant is not present in population databases (gnomAD no frequency). This sequence change replaces leucine, which is neutral and non-polar, with serine, which is neutral and polar, at codon 4452 of the USH2A protein (p.Leu4452Ser).

NM_206933.4(USH2A):c.13355T>C (p.Leu4452Ser)

Gene: USH2A (usherin; minus strand). Cytogenetic location: 1q41.
Variant type: single nucleotide variant.
Coding change: c.13355T>C on transcript NM_206933.4 (MANE Select); coding-DNA position 13355, T replaced by C.
Protein change: p.Leu4452Ser; replaces leucine 4452 with serine.
Molecular consequence: missense variant.
Genome position (GRCh38, 1-based): chr1:215,674,556, A>G on the plus strand (T>C on the coding strand, the complement: USH2A is on the minus strand). VCF-style: chr1-215674556-A-G. GRCh37 (hg19) VCF-style: chr1-215847898-A-G.
Other names: short protein forms L4452S.
Identifiers: ClinVar variation 2118798 (VCV002118798.4), dbSNP rs2464895737, ClinGen allele CA344845581.